The following is an entry in ClinVar:

ClinVar aggregate classification (germline): Likely benign. Review status: criteria provided, multiple submitters, no conflicts (2 of 4 stars). 2 submissions from 2 submitters: Likely benign (2). Last evaluated 2018-06-14.

Allele frequency attached by ClinVar (database versions not stated): gnomAD 0.02468 and 0.02969; TOPMed 0.03698; 1000 Genomes Project 30x 0.07573; 1000 Genomes Project 0.08227.
gnomAD v4.1: 22,622 of 780,052 alleles (2.9%); highest among the groups gnomAD compares: East Asian, 29%; 2,185 homozygotes.

Submissions (2):

GeneDx
Classification: Likely benign. Last evaluated: 2018-06-14. Review status: criteria provided, single submitter. Criteria: GeneDx Variant Classification (06012015). Collection method: clinical testing. Allele origin: germline. Affected: yes.
Comment: This variant is considered likely benign or benign based on one or more of the following criteria: it is a conservative change, it occurs at a poorly conserved position in the protein, it is predicted to be benign by multiple in silico algorithms, and/or has population frequency not consistent with disease.

Breakthrough Genomics
Classification: Likely benign. Review status: criteria provided, single submitter. Criteria: ACMG Guidelines, 2015. Collection method: not provided. Allele origin: germline. Inheritance: Autosomal dominant inheritance. Affected: yes.

NM_006258.4(PRKG1):c.1174-146G>C

Gene: PRKG1 (protein kinase cGMP-dependent 1; plus strand). Cytogenetic location: 10q21.1.
Variant type: single nucleotide variant.
Coding change: c.1174-146G>C on transcript NM_006258.4 (MANE Select); 146 bases into the intron before coding-DNA position 1174, G replaced by C.
Molecular consequence: intron variant.
Genome position (GRCh38, 1-based): chr10:52,271,204, G>C. VCF-style: chr10-52271204-G-C. GRCh37 (hg19) VCF-style: chr10-54030964-G-C.
Other names: c.1129-146G>C (NM_001098512.3).
Identifiers: ClinVar variation 674907 (VCV000674907.2), dbSNP rs16928684, ClinGen allele CA207399772.